The following is an entry in ClinVar:

ClinVar aggregate classification (germline): Uncertain significance (1 of 4 stars; one submission).

Submission:

Ambry Genetics
Classification: Uncertain significance. Last evaluated: 2024-02-28. Review status: criteria provided, single submitter. Criteria: Ambry Variant Classification Scheme 2023. Collection method: clinical testing. Allele origin: germline.
Comment: The p.E724D variant (also known as c.2172A>C), located in coding exon 20 of the PRKDC gene, results from an A to C substitution at nucleotide position 2172. The glutamic acid at codon 724 is replaced by aspartic acid, an amino acid with highly similar properties. This amino acid position is conserved. In addition, the in silico prediction for this alteration is inconclusive. Based on the available evidence, the clinical significance of this alteration remains unclear.

NM_006904.7(PRKDC):c.2172A>C (p.Glu724Asp)

Gene: PRKDC (protein kinase, DNA-activated, catalytic subunit; minus strand). Cytogenetic location: 8q11.21.
Variant type: single nucleotide variant.
Coding change: c.2172A>C on transcript NM_006904.7 (MANE Select); coding-DNA position 2172, A replaced by C.
Protein change: p.Glu724Asp; replaces glutamic acid 724 with aspartic acid.
Molecular consequence: missense variant.
Genome position (GRCh38, 1-based): chr8:47,927,858, T>G on the plus strand (A>C on the coding strand, the complement: PRKDC is on the minus strand). VCF-style: chr8-47927858-T-G. GRCh37 (hg19) VCF-style: chr8-48840418-T-G.
Other names: c.2172A>C, p.Glu724Asp (NM_001081640.2); short protein forms E724D.
Identifiers: ClinVar variation 3225779 (VCV003225779.1), dbSNP rs2551878298, ClinGen allele CA371162795.